The following is an entry in ClinVar:

ClinVar aggregate classification (germline): Uncertain significance. Review status: criteria provided, multiple submitters, no conflicts (2 of 4 stars). 2 submissions from 2 submitters: Uncertain significance (2). Last evaluated 2024-09-20.

Conditions:
Polycystic kidney disease 2 (PKD2). Also called: Polycystic Kidney Disease 2, Autosomal Dominant; POLYCYSTIC KIDNEY DISEASE, ADULT, TYPE II; POLYCYSTIC KIDNEY DISEASE 2 WITH OR WITHOUT POLYCYSTIC LIVER DISEASE. Identifiers: MedGen C2751306, MONDO:0013131, OMIM 613095.

Allele frequency attached by ClinVar (database versions not stated): gnomAD 0.00001; gnomAD exomes 0.00001; TOPMed 0.00001; ExAC 0.00002.
gnomAD v4.1: 13 of 1,613,924 alleles (0.00081%); highest among the groups gnomAD compares: South Asian, 0.0011%; no homozygotes.

Submissions (2):

Victorian Clinical Genetics Services, Murdoch Childrens Research Institute
Classification: Uncertain significance for Polycystic kidney disease 2. Last evaluated: 2024-09-20. Review status: criteria provided, single submitter. Criteria: ACMG Guidelines, 2015. Collection method: clinical testing. Allele origin: germline. Inheritance: Autosomal dominant inheritance. Affected: yes.
Comment: Based on the classification scheme VCGS_Germline_v1.3.4, this variant is classified as VUS-3B. Following criteria are met: 0102 - Loss of function is a known mechanism of disease in this gene and is associated with polycystic kidney disease 2 (MIM#613095). (I) 0107 - This gene is associated with autosomal dominant disease. (I) 0200 - Variant is predicted to result in a missense amino acid change from arginine to glutamine. (I) 0251 - This variant is heterozygous. (I) 0302 - Variant is present in gnomAD (v2) <0.001 for a dominant condition (3 heterozygotes, 0 homozygotes). (SP) 0501 - Missense variant consistently predicted to be damaging by multiple in silico tools or highly conserved with a major amino acid change. (SP) 0600 - Variant is located in the annotated Ferredoxin I 4Fe-4S cluster domain (DECIPHER). (I) 0710 - Another missense variant comparable to the one identified in this case has inconclusive previous evidence for pathogenicity. p.(Arg845Pro) has been classified as a VUS in ClinVar. (I) 0807 - This variant has no previous evidence of pathogenicity. (I) 0905 - No published segregation evidence has been identified for this variant. (I) 1007 - No published functional evidence has been identified for this variant. (I) 1208 - Inheritance information for this variant is not currently available in this individual. (I) Legend: (SP) - Supporting pathogenic, (I) - Information, (SB) - Supporting benign

Fulgent Genetics
Classification: Uncertain significance for Polycystic kidney disease 2. Last evaluated: 2024-03-19. Review status: criteria provided, single submitter. Criteria: ACMG Guidelines, 2015. Collection method: clinical testing. Allele origin: germline.

NM_000297.4(PKD2):c.2534G>A (p.Arg845Gln)

Gene: PKD2 (polycystin 2, transient receptor potential cation channel; plus strand). Cytogenetic location: 4q22.1.
Variant type: single nucleotide variant.
Coding change: c.2534G>A on transcript NM_000297.4 (MANE Select); coding-DNA position 2534, G replaced by A.
Protein change: p.Arg845Gln; replaces arginine 845 with glutamine.
Molecular consequence: missense variant. On other transcripts: non-coding transcript variant (1).
Genome position (GRCh38, 1-based): chr4:88,074,823, G>A. VCF-style: chr4-88074823-G-A. GRCh37 (hg19) VCF-style: chr4-88995975-G-A.
Other names: short protein forms R845Q.
Identifiers: ClinVar variation 3255043 (VCV003255043.3), dbSNP rs755031837.